The following is an entry in ClinVar:

NM_006939.4(SOS2):c.1326C>A (p.Phe442Leu)

Gene: SOS2 (SOS Ras/Rho guanine nucleotide exchange factor 2; minus strand). Cytogenetic location: 14q21.3.
Variant type: single nucleotide variant.
Coding change: c.1326C>A on transcript NM_006939.4 (MANE Select); coding-DNA position 1326, C replaced by A.
Protein change: p.Phe442Leu; replaces phenylalanine 442 with leucine.
Molecular consequence: missense variant.
Genome position (GRCh38, 1-based): chr14:50,159,957, G>T on the plus strand (C>A on the coding strand, the complement: SOS2 is on the minus strand). VCF-style: chr14-50159957-G-T. GRCh37 (hg19) VCF-style: chr14-50626675-G-T.
Other names: c.1227C>A, p.Phe409Leu (NM_001411020.1); short protein forms F409L, F442L.
Identifiers: ClinVar variation 2044592 (VCV002044592.4), dbSNP rs150365706, ClinGen allele CA389646039.
Genomic context (GRCh38, chr14:50,159,957, plus strand): 5'-AAACAGAAAAATATGCCGTTCATGTTTGGCACCGATTCTTGTCAATGGTCCCTCCATAAT[G>T]AATTCATTACAACACTGTCCAATATCTTTGCCTTCCCATCCATCGATATTTTTCTGAATT-3'
Protein context (NP_008870.2, residues 432-452): GKDIGQCCNE[Phe442Leu]IMEGPLTRIG

ClinVar aggregate classification (germline): Uncertain significance (1 of 4 stars; one submission).

Conditions:
Noonan syndrome 9 (NS9). Identifiers: Orphanet 648, MedGen C4225282, MONDO:0014691, OMIM 616559.

Submission:

Labcorp Genetics (formerly Invitae), Labcorp
Classification: Uncertain significance for Noonan syndrome 9. Last evaluated: 2022-03-18. Review status: criteria provided, single submitter. Criteria: Invitae Variant Classification Sherloc (09022015). Collection method: clinical testing. Allele origin: germline.
Comment: This sequence change replaces phenylalanine, which is neutral and non-polar, with leucine, which is neutral and non-polar, at codon 442 of the SOS2 protein (p.Phe442Leu). This variant is not present in population databases (gnomAD no frequency). This variant has not been reported in the literature in individuals affected with SOS2-related conditions. Algorithms developed to predict the effect of missense changes on protein structure and function (SIFT, PolyPhen-2, Align-GVGD) all suggest that this variant is likely to be tolerated. In summary, the available evidence is currently insufficient to determine the role of this variant in disease. Therefore, it has been classified as a Variant of Uncertain Significance.